The following is an entry in ClinVar:

ClinVar aggregate classification (germline): Uncertain significance (1 of 4 stars; one submission).

Conditions:
KIDINS220-related disorder. Also called: KIDINS220-related condition.

Submission:

PreventionGenetics, part of Exact Sciences
Classification: Uncertain significance for KIDINS220-related condition. Last evaluated: 2025-10-28. Review status: criteria provided, single submitter. Criteria: ACMG Guidelines, 2015. Collection method: clinical testing. Allele origin: germline.
Comment: The KIDINS220 c.847G>A variant is predicted to result in the amino acid substitution p.Glu283Lys. To our knowledge, this variant has not been reported in the literature or in a large population database (gnomAD), indicating this variant is rare. At this time, the clinical significance of this variant is uncertain due to the absence of conclusive functional and genetic evidence.

NM_020738.4(KIDINS220):c.847G>A (p.Glu283Lys)

Gene: KIDINS220 (kinase D interacting substrate 220; minus strand). Cytogenetic location: 2p25.1.
Variant type: single nucleotide variant.
Coding change: c.847G>A on transcript NM_020738.4 (MANE Select); coding-DNA position 847, G replaced by A.
Protein change: p.Glu283Lys; replaces glutamic acid 283 with lysine.
Molecular consequence: missense variant. On other transcripts: non-coding transcript variant (2).
Genome position (GRCh38, 1-based): chr2:8,800,453, C>T on the plus strand (G>A on the coding strand, the complement: KIDINS220 is on the minus strand). VCF-style: chr2-8800453-C-T. GRCh37 (hg19) VCF-style: chr2-8940583-C-T.
Other names: c.850G>A, p.Glu284Lys (NM_001348729.2, NM_001348731.2, NM_001348734.2 and 3 more transcripts); c.847G>A, p.Glu283Lys (NM_001348732.2, NM_001348735.2, NM_001348738.2 and 3 more transcripts); c.721G>A, p.Glu241Lys (NM_001348736.2); short protein forms E283K, E241K, E284K.
Identifiers: ClinVar variation 4993492 (VCV004993492.1).
Genomic context (GRCh38, chr2:8,800,453, plus strand): 5'-CACATACCTGTCCTCTAATGTCTATATCAGCATATTTTTGGAGAAGCGCTCGAACAATTT[C>T]AACATGACCACCTCTGACAGCGCCAATCAACACAGTATCCCCACTCTAAGAAGACAGAAA-3'
Protein context (NP_065789.1, residues 273-293): LIGAVRGGHV[Glu283Lys]IVRALLQKYA